The following is an entry in ClinVar:

ClinVar aggregate classification (germline): Conflicting classifications of pathogenicity. Review status: criteria provided, conflicting classifications (1 of 4 stars). 7 submissions from 7 submitters: Likely pathogenic (3); Uncertain significance (2). 2 of the submissions do not count toward it. Last evaluated 2026-02-10.

Conditions:
Bifunctional peroxisomal enzyme deficiency (DBIF). Also called: DBP DEFICIENCY; PBFE DEFICIENCY; D-bifunctional protein deficiency. Identifiers: Orphanet 300, MedGen C0342870, MONDO:0009855, OMIM 261515. Disease mechanism: loss of function.
Perrault syndrome 1 (PRLTS1). Also called: GONADAL DYSGENESIS, XX TYPE, WITH DEAFNESS; OVARIAN DYSGENESIS WITH SENSORINEURAL DEAFNESS. Identifiers: Orphanet 2855, Orphanet 642945, MedGen C4551721, MONDO:0009300, OMIM 233400.

Allele frequency attached by ClinVar (database versions not stated): ExAC 0.00001; gnomAD 0.00001; TOPMed 0.00001.
gnomAD v4.1: 5 of 1,590,950 alleles (0.00031%); highest among the groups gnomAD compares: African/African-American, 0.0067%; no homozygotes.

Submissions (7):

Myriad Genetics, Inc.
Classification: Uncertain significance for Bifunctional peroxisomal enzyme deficiency. Last evaluated: 2026-02-10. Review status: criteria provided, single submitter. Criteria: Myriad Autosomal Dominant, Autosomal Recessive and X-Linked Classification Criteria (2023). Collection method: clinical testing. Allele origin: unknown.
Comment: NM_000414.3(HSD17B4):c.1210-11C>G is an intronic variant classified as a variant of uncertain significance in the context of HSD17B4-related disorders. c.1210-11C>G has been observed in cases with relevant disease (PMID: 28973083, 34623748). Relevant functional assessments of this variant are available in the literature (PMID: 34623748). c.1210-11C>G has been observed in referenced population frequency databases. In summary, there is insufficient evidence to classify NM_000414.3(HSD17B4):c.1210-11C>G as pathogenic or benign. Please note: this variant was assessed in the context of healthy population screening.

Natera, Inc.
Classification: Likely pathogenic for Bifunctional peroxisomal enzyme deficiency. Last evaluated: 2025-05-22. Review status: criteria provided, single submitter. Criteria: Natera Variant Classification Schema (03/2026). Collection method: clinical testing. Allele origin: germline.
Comment: The c.1210-11C>G variant in HSD17B4 is an intronic variant located outside the canonical splice sites. This variant is rare in the general population with a frequency below the threshold expected for the associated phenotype(s). This variant has been observed in one or more individuals affected with the associated recessive disease, as either homozygous or compound heterozygous with a second variant (PMID: 28973083, 34623748). Functional studies show that this variant may disrupt protein function (PMID: 34623748). Given the available evidence, this variant is classified as Likely Pathogenic.

Baylor Genetics
Classification: Likely pathogenic for Bifunctional peroxisomal enzyme deficiency. Last evaluated: 2023-09-22. Review status: criteria provided, single submitter. Criteria: ACMG Guidelines, 2015. Collection method: clinical testing. Allele origin: unknown.

Women's Health and Genetics/Laboratory Corporation of America, LabCorp
Classification: Likely pathogenic for Bifunctional peroxisomal enzyme deficiency. Last evaluated: 2023-06-12. Review status: criteria provided, single submitter. Criteria: LabCorp Variant Classification Summary - May 2015. Collection method: clinical testing. Allele origin: germline.
Comment: Variant summary: HSD17B4 c.1210-11C>G alters a non-conserved nucleotide located close to a canonical splice site and therefore could affect mRNA splicing, leading to a significantly altered protein sequence. Several computational tools predict a significant impact on normal splicing: Two predict the variant abolishes a 3' acceptor site. One predicts the variant creates a 3' acceptor site. At least one publication reports experimental evidence that this variant affects mRNA splicing resulting in exon 14 skipping, predicted to cause a frameshift resulting in premature termination of three amino acids downstream (p.Val404Glufs*3) (example: Werner_2022). The variant allele was found at a frequency of 1.2e-05 in 250824 control chromosomes. c.1210-11C>G has been reported in the literature in compound heterozygous individuals affected with D-Bifunctional Protein Deficiency (examples: Meng_2017, Werner_2022). The following publications have been ascertained in the context of this evaluation (PMID: 28973083, 34623748). Three clinical diagnostic laboratories have submitted clinical-significance assessments for this variant to ClinVar after 2014 without evidence for independent evaluation, classifying the variant as likely pathogenic (n=1), uncertain significance (n=1), or likely benign (n=1). Based on the evidence outlined above, the variant was classified as likely pathogenic.

Eurofins Ntd Llc (ga)
Classification: Uncertain significance. Last evaluated: 2018-01-22. Review status: criteria provided, single submitter. Criteria: EGL Classification Definitions 2015. Collection method: clinical testing. Allele origin: germline. Observed: 1 variant allele, 1 heterozygote.

Elsea Laboratory, Baylor College of Medicine
Classification: Likely pathogenic for Bifunctional peroxisomal enzyme deficiency; Perrault syndrome 1. Last evaluated: 2020-04-01. Review status: no assertion criteria provided. Collection method: clinical testing. Allele origin: paternal. Affected: yes. Not counted in ClinVar's aggregate classification.

Mayo Clinic Laboratories, Mayo Clinic
Classification: Likely benign. Last evaluated: 2016-10-14. Review status: no assertion criteria provided. Collection method: clinical testing. Allele origin: unknown. Not counted in ClinVar's aggregate classification.

Literature cited by the submitters: PubMed 28973083 (cited by 3 submitters); PubMed 34623748 (cited by 3 submitters).

NM_000414.4(HSD17B4):c.1210-11C>G

Gene: HSD17B4 (hydroxysteroid 17-beta dehydrogenase 4; plus strand). Cytogenetic location: 5q23.1.
Variant type: single nucleotide variant.
Coding change: c.1210-11C>G on transcript NM_000414.4 (MANE Select); 11 bases into the intron before coding-DNA position 1210, C replaced by G.
Molecular consequence: intron variant.
Genome position (GRCh38, 1-based): chr5:119,502,030, C>G. VCF-style: chr5-119502030-C-G. GRCh37 (hg19) VCF-style: chr5-118837725-C-G.
Other names: c.1210-11C>G (NM_000414.3); c.1285-11C>G (NM_001199291.3); c.790-11C>G (NM_001292028.2); c.1138-11C>G (NM_001292027.2); c.1156-11C>G (NM_001199292.2).
Identifiers: ClinVar variation 559071 (VCV000559071.14), dbSNP rs779466683, ClinGen allele CA3382130.